The following is an entry in ClinVar:

NM_002184.4(IL6ST):c.974-8T>G

Gene: IL6ST (interleukin 6 cytokine family signal transducer; minus strand). Cytogenetic location: 5q11.2.
Variant type: single nucleotide variant.
Coding change: c.974-8T>G on transcript NM_002184.4 (MANE Select); 8 bases into the intron before coding-DNA position 974, T replaced by G.
Molecular consequence: intron variant.
Genome position (GRCh38, 1-based): chr5:55,957,299, A>C on the plus strand (T>G on the coding strand, the complement: IL6ST is on the minus strand). VCF-style: chr5-55957299-A-C. GRCh37 (hg19) VCF-style: chr5-55253127-A-C.
Other names: c.974-8T>G (NM_002184.3, NM_001190981.2, NM_001364275.2); c.764-8T>G (NM_001364276.2); c.61-1064T>G (NM_001364279.2); c.71-8T>G (NM_001364278.2); c.107-8T>G (NM_001364277.2); c.974-1064T>G (NM_175767.3).
Identifiers: ClinVar variation 1663538 (VCV001663538.10), dbSNP rs371822093, ClinGen allele CA3271556.

ClinVar aggregate classification (germline): Likely benign. Review status: criteria provided, multiple submitters, no conflicts (2 of 4 stars). 2 submissions from 2 submitters: Likely benign (2). Last evaluated 2025-09-23.

Conditions:
IL6ST-related disorder. Also called: IL6ST-related condition.

Allele frequency attached by ClinVar (database versions not stated): gnomAD exomes 0.00001 and 0.00013; ExAC 0.00002; gnomAD 0.00010 and 0.00011; TOPMed 0.00011; ESP Exome Variant Server 0.00015.
gnomAD v4.1: 187 of 1,377,868 alleles (0.014%); highest among the groups gnomAD compares: Non-Finnish European, 0.017%; no homozygotes.

Submissions (3):

Labcorp Genetics (formerly Invitae), Labcorp
Classification: Likely benign. Last evaluated: 2025-09-23. Review status: criteria provided, single submitter. Criteria: Invitae Variant Classification Sherloc (09022015). Collection method: clinical testing. Allele origin: germline.

PreventionGenetics, part of Exact Sciences
Classification: Likely benign for IL6ST-related condition. Last evaluated: 2025-01-13. Review status: criteria provided, single submitter. Criteria: ACMG Guidelines, 2015. Collection method: clinical testing. Allele origin: germline.
Comment: This variant is classified as likely benign based on ACMG/AMP sequence variant interpretation guidelines (Richards et al. 2015 PMID: 25741868, with internal and published modifications).

Dr. Peter K. Rogan Lab, Western University
No classification provided (evidence only). Condition: Acute myeloid leukemia. Review status: no classification provided. Collection method: in vitro. Allele origin: not applicable. Functional consequence: skipped exon, retained intron. Not counted in ClinVar's aggregate classification.